The following is an entry in ClinVar:

ClinVar aggregate classification (germline): Pathogenic (1 of 4 stars; one submission).

Conditions:
Tuberous sclerosis 1 (TSC1). Identifiers: Orphanet 805, MedGen C1854465, MONDO:0008612, OMIM 191100.

Submission:

Labcorp Genetics (formerly Invitae), Labcorp
Classification: Pathogenic for Tuberous sclerosis 1. Last evaluated: 2022-07-11. Review status: criteria provided, single submitter. Criteria: Invitae Variant Classification Sherloc (09022015). Collection method: clinical testing. Allele origin: germline.
Comment: For these reasons, this variant has been classified as Pathogenic. This variant has not been reported in the literature in individuals affected with TSC1-related conditions. This variant is not present in population databases (gnomAD no frequency). This sequence change creates a premature translational stop signal (p.Pro513Serfs*20) in the TSC1 gene. It is expected to result in an absent or disrupted protein product. Loss-of-function variants in TSC1 are known to be pathogenic (PMID: 10227394, 17304050).

Literature cited by the submitters: PubMed 10227394; PubMed 17304050.

NM_000368.5(TSC1):c.1535_1536dup (p.Pro513fs)

Gene: TSC1 (TSC complex subunit 1; minus strand). Cytogenetic location: 9q34.13.
Variant type: Microsatellite.
Coding change: c.1535_1536dup on transcript NM_000368.5 (MANE Select); coding-DNA positions 1535 to 1536, 2 bases duplicated (TC; older notation c.1535_1536dupTC).
Protein change: p.Pro513fs; shifts the reading frame from proline 513.
Molecular consequence: frameshift variant.
Genome position (GRCh38, 1-based): chr9:132,906,042-132,906,043, GA duplicated on the plus strand (TC on the coding strand, the reverse complement: TSC1 is on the minus strand); duplicating any 2 consecutive bases within chr9:132,906,042-132,906,045 gives the same sequence; the c. name uses the placement nearest the transcript's 3' end. VCF-style (leftmost placement, unchanged base first): chr9-132906041-G-GGA. GRCh37 (hg19) VCF-style: chr9-135781428-G-GGA.
Other names: c.1532_1533dup, p.Pro512fs (NM_001162426.2); c.1382_1383dup, p.Pro462fs (NM_001162427.2); c.1172_1173dup, p.Pro392fs (NM_001362177.2); c.1533_1534TC[3], p.Pro513Serfs (NM_001406592.1, NM_001406593.1, NM_001406594.1 and 7 more transcripts); c.1530_1531TC[3], p.Pro512Serfs (NM_001406597.1, NM_001406598.1, NM_001406599.1 and 5 more transcripts); c.1380_1381TC[3], p.Pro462Serfs (NM_001406610.1); c.1377_1378TC[3], p.Pro461Serfs (NM_001406611.1, NM_001406612.1, NM_001406613.1); c.1170_1171TC[3], p.Pro392Serfs (NM_001406614.1, NM_001406615.1, NM_001406616.1 and 4 more transcripts); and 4 more; short protein forms P462fs, P392fs, P512fs, P513fs.
Identifiers: ClinVar variation 2015930 (VCV002015930.4), dbSNP rs397514823, ClinGen allele CA2580617129.